The following is an entry in ClinVar:

ClinVar aggregate classification (germline): Uncertain significance (0 of 4 stars; one submission).

Conditions:
NEK1-related disorder. Also called: NEK1-related condition.

gnomAD v4.1: 1 of 1,601,886 alleles (0.000062%); highest among the groups gnomAD compares: Non-Finnish European, 0.000085%; no homozygotes.

Submission:

PreventionGenetics, part of Exact Sciences
Classification: Uncertain significance for NEK1-related condition. Last evaluated: 2024-08-13. Review status: no assertion criteria provided. Collection method: clinical testing. Allele origin: germline.
Comment: The NEK1 c.2330C>T variant is predicted to result in the amino acid substitution p.Thr777Ile. To our knowledge, this variant has not been reported in the literature. This variant is reported in 0.00095% of alleles in individuals of European (Non-Finnish) descent in gnomAD. At this time, the clinical significance of this variant is uncertain due to the absence of conclusive functional and genetic evidence.

NM_001199397.3(NEK1):c.2414C>T (p.Thr805Ile)

Gene: NEK1 (NIMA related kinase 1; minus strand). Cytogenetic location: 4q33.
Variant type: single nucleotide variant.
Coding change: c.2414C>T on transcript NM_001199397.3 (MANE Select); coding-DNA position 2414, C replaced by T.
Protein change: p.Thr805Ile; replaces threonine 805 with isoleucine.
Molecular consequence: missense variant. On other transcripts: non-coding transcript variant (1).
Genome position (GRCh38, 1-based): chr4:169,477,144, G>A on the plus strand (C>T on the coding strand, the complement: NEK1 is on the minus strand). VCF-style: chr4-169477144-G-A. GRCh37 (hg19) VCF-style: chr4-170398295-G-A.
Other names: c.2282C>T, p.Thr761Ile (NM_001199398.3); c.2123C>T, p.Thr708Ile (NM_001199399.3); c.2198C>T, p.Thr733Ile (NM_001199400.3); c.2414C>T, p.Thr805Ile (NM_001374418.1); c.2330C>T, p.Thr777Ile (NM_001374419.1, NM_012224.4); c.2279C>T, p.Thr760Ile (NM_001374420.1); c.2108C>T, p.Thr703Ile (NM_001374421.1); short protein forms T703I, T708I, T733I, T760I, T761I, T777I, T805I.
Identifiers: ClinVar variation 3356321 (VCV003356321.1).